The following is an entry in ClinVar:

ClinVar aggregate classification (germline): Uncertain significance (1 of 4 stars; one submission).

Submission:

GeneDx
Classification: Uncertain significance. Last evaluated: 2019-07-25. Review status: criteria provided, single submitter. Criteria: GeneDx Variant Classification Process June 2021. Collection method: clinical testing. Allele origin: germline. Affected: yes.
Comment: Not observed in large population cohorts (Lek et al., 2016); In silico analysis, which includes protein predictors and evolutionary conservation, supports a deleterious effect; Has not been previously published as pathogenic or benign to our knowledge

NM_002700.3(POU4F3):c.730C>G (p.Leu244Val)

Genes: POU4F3 (POU class 4 homeobox 3; plus strand), LOC127814297 (RBM27-POU4F3; plus strand). Cytogenetic location: 5q32.
Variant type: single nucleotide variant.
Coding change: c.730C>G on transcript NM_002700.3 (MANE Select); coding-DNA position 730, C replaced by G.
Protein change: p.Leu244Val; replaces leucine 244 with valine.
Molecular consequence: missense variant.
Genome position (GRCh38, 1-based): chr5:146,340,157, C>G. VCF-style: chr5-146340157-C-G. GRCh37 (hg19) VCF-style: chr5-145719720-C-G.
Other names: short protein forms L244V.
Identifiers: ClinVar variation 1307287 (VCV001307287.2), dbSNP rs2126961813, ClinGen allele CA361622080.